The following is an entry in ClinVar:

NM_014363.6(SACS):c.8238A>C (p.Lys2746Asn)

Gene: SACS (sacsin molecular chaperone; minus strand). Cytogenetic location: 13q12.12.
Variant type: single nucleotide variant.
Coding change: c.8238A>C on transcript NM_014363.6 (MANE Select); coding-DNA position 8238, A replaced by C.
Protein change: p.Lys2746Asn; replaces lysine 2746 with asparagine.
Molecular consequence: missense variant.
Genome position (GRCh38, 1-based): chr13:23,335,638, T>G on the plus strand (A>C on the coding strand, the complement: SACS is on the minus strand). VCF-style: chr13-23335638-T-G. GRCh37 (hg19) VCF-style: chr13-23909777-T-G.
Other names: c.7797A>C, p.Lys2599Asn (NM_001278055.2); short protein forms K2599N, K2746N.
Identifiers: ClinVar variation 955264 (VCV000955264.7), dbSNP rs1029961212, ClinGen allele CA246656106.

ClinVar aggregate classification (germline): Uncertain significance. Review status: criteria provided, multiple submitters, no conflicts (2 of 4 stars). 2 submissions from 2 submitters: Uncertain significance (2). Last evaluated 2022-10-04.

Conditions:
Spastic paraplegia. Identifiers: MedGen C0037772, HP:0001258.

Allele frequency attached by ClinVar (database versions not stated): gnomAD exomes below 0.00001; TOPMed below 0.00001.
gnomAD v4.1: 3 of 1,613,958 alleles (0.00019%); highest among the groups gnomAD compares: Admixed American, 0.0017%; no homozygotes.

Submissions (2):

Labcorp Genetics (formerly Invitae), Labcorp
Classification: Uncertain significance for Spastic paraplegia. Last evaluated: 2022-10-04. Review status: criteria provided, single submitter. Criteria: Invitae Variant Classification Sherloc (09022015). Collection method: clinical testing. Allele origin: germline.
Comment: This sequence change replaces lysine, which is basic and polar, with asparagine, which is neutral and polar, at codon 2746 of the SACS protein (p.Lys2746Asn). This variant is not present in population databases (gnomAD no frequency). This variant has not been reported in the literature in individuals affected with SACS-related conditions. ClinVar contains an entry for this variant (Variation ID: 955264). Advanced modeling of protein sequence and biophysical properties (such as structural, functional, and spatial information, amino acid conservation, physicochemical variation, residue mobility, and thermodynamic stability) performed at Invitae indicates that this missense variant is not expected to disrupt SACS protein function. In summary, the available evidence is currently insufficient to determine the role of this variant in disease. Therefore, it has been classified as a Variant of Uncertain Significance.

Blueprint Genetics
Classification: Uncertain significance. Last evaluated: 2017-07-20. Review status: criteria provided, single submitter. Criteria: ACMG Guidelines, 2015. Collection method: clinical testing. Allele origin: germline.